The following is an entry in ClinVar:

ClinVar aggregate classification (germline): Likely pathogenic. Review status: criteria provided, single submitter (1 of 4 stars). 2 submissions from 2 submitters: Likely pathogenic (1). 1 of the submissions does not count toward it. Last evaluated 2023-12-21.

Conditions:
Long QT syndrome (LQTS). Identifiers: MedGen C0023976, MeSH D008133, MONDO:0002442. Disease mechanism: loss of function. Inheritance: Various modes of inheritance.
Long QT syndrome 2 (LQT2). Identifiers: Orphanet 101016, Orphanet 768, MedGen C3150943, MONDO:0013367, OMIM 613688.

Submissions (2):

Victorian Clinical Genetics Services, Murdoch Childrens Research Institute
Classification: Likely pathogenic for Long QT syndrome 2. Last evaluated: 2023-12-21. Review status: criteria provided, single submitter. Criteria: ACMG Guidelines, 2015. Collection method: clinical testing. Allele origin: germline. Inheritance: Autosomal dominant inheritance. Affected: yes.
Comment: Based on the classification scheme VCGS_Germline_v1.3.4, this variant is classified as Likely pathogenic. Following criteria are met: 0103 - Dominant negative and loss of function are known mechanisms of disease in this gene and are associated with long QT syndrome 2 (MIM#613688). Gain of function is also a known mechanism associated with short QT syndrome 1 (MIM#609620) (OMIM, PMID: 10753933; PMID: 21777565). (I) 0107 - This gene is associated with autosomal dominant disease. (I) 0112 - The condition associated with this gene has incomplete penetrance (PMID: 20301308). (I) 0200 - Variant is predicted to result in a missense amino acid change from isoleucine to threonine. (I) 0251 - This variant is heterozygous. (I) 0301 - Variant is absent from gnomAD (both v2 and v3). (SP) 0501 - Missense variant consistently predicted to be damaging by multiple in silico tools or highly conserved with a major amino acid change. (SP) 0600 - Variant is located in the annotated cyclic nucleotide-binding domain (DECIPHER). (I) 0705 - No comparable missense variants have previous evidence for pathogenicity. (I) 0807 - This variant has no previous evidence of pathogenicity. (I) 0903 - This variant has limited evidence for segregation with disease. (SP) 1002 - This variant has moderate functional evidence supporting abnormal protein function. The variant, when co-expressed with wildtype KCNH2, has a reduced current density to 3.5% of wildtype level measured by patch clamp electrophysiology (personal communication, Centenary Institute). (I) Legend: (SP) - Supporting pathogenic, (I) - Information, (SB) - Supporting benign

Agnes Ginges Centre for Molecular Cardiology, Centenary Institute
Classification: Uncertain significance for Long QT syndrome. Last evaluated: 2019-04-23. Review status: no assertion criteria provided. Collection method: research. Allele origin: germline. Inheritance: Autosomal dominant inheritance. Affected: yes. Not counted in ClinVar's aggregate classification.
Comment: KCNH2 Ile782Thr has not been previously reported. It is very rare and is not present in the Genome Aggregation Database. In silico tools SIFT, PolyPhen2 and MutationTaster predict that this variant is deleterious. In summary this variant is rare in the general population, segregates with the Long QT phenotype (3 meiosis), and in silico tools predict it to have a deleterious affect, therefore we classify KCNH2 Ile782Thr as a variant of 'uncertain significance'.

Literature cited by the submitters: PubMed 10753933 (cited by Victorian Clinical Genetics Services, Murdoch Childrens Research Institute); PubMed 20301308 (cited by Victorian Clinical Genetics Services, Murdoch Childrens Research Institute); PubMed 21777565 (cited by Victorian Clinical Genetics Services, Murdoch Childrens Research Institute).

NM_000238.4(KCNH2):c.2345T>C (p.Ile782Thr)

Gene: KCNH2 (potassium voltage-gated channel subfamily H member 2; minus strand). Cytogenetic location: 7q36.1.
Variant type: single nucleotide variant.
Coding change: c.2345T>C on transcript NM_000238.4 (MANE Select); coding-DNA position 2345, T replaced by C.
Protein change: p.Ile782Thr; replaces isoleucine 782 with threonine.
Molecular consequence: missense variant.
Genome position (GRCh38, 1-based): chr7:150,950,221, A>G on the plus strand (T>C on the coding strand, the complement: KCNH2 is on the minus strand). VCF-style: chr7-150950221-A-G. GRCh37 (hg19) VCF-style: chr7-150647309-A-G.
Other names: c.1325T>C, p.Ile442Thr (NM_001204798.2, NM_172057.3); c.2057T>C, p.Ile686Thr (NM_001406753.1, NM_001406756.1); c.2168T>C, p.Ile723Thr (NM_001406755.1); c.2045T>C, p.Ile682Thr (NM_001406757.1); c.2345T>C, p.Ile782Thr (NM_172056.3); short protein forms I442T, I782T, I682T, I686T, I723T.
Identifiers: ClinVar variation 977169 (VCV000977169.4), dbSNP rs1801085857, ClinGen allele CA369856072.